The following is an entry in ClinVar:

ClinVar aggregate classification (germline): Benign (1 of 4 stars; one submission).

Conditions:
Charcot-Marie-Tooth disease dominant intermediate C (CMTDIC). Also called: CHARCOT-MARIE-TOOTH NEUROPATHY, DOMINANT INTERMEDIATE C. Identifiers: Orphanet 100045, MedGen C1842237, MONDO:0012012, OMIM 608323.

Allele frequency attached by ClinVar (database versions not stated): gnomAD 0.00092 and 0.00102; 1000 Genomes Project 0.00100; 1000 Genomes Project 30x 0.00109; TOPMed 0.00109.

Submission:

Illumina Laboratory Services, Illumina
Classification: Benign for Charcot-Marie-Tooth disease dominant intermediate C. Last evaluated: 2018-01-13. Review status: criteria provided, single submitter. Criteria: ICSL Variant Classification Criteria 13 December 2019. Collection method: clinical testing. Allele origin: germline.
Comment: This variant was observed in the ICSL laboratory as part of a predisposition screen in an ostensibly healthy population. It had not been previously curated by ICSL or reported in the Human Gene Mutation Database (HGMD: prior to June 1st, 2018), and was therefore a candidate for classification through an automated scoring system. Utilizing variant allele frequency, disease prevalence and penetrance estimates, and inheritance mode, an automated score was calculated to assess if this variant is too frequent to cause the disease. Based on the score and internal cut-off values, a variant classified as benign is not then subjected to further curation. The score for this variant resulted in a classification of benign for this disease.

NM_003680.3(YARS1):c.-662G>A

Genes: S100PBP (S100P binding protein; plus strand), YARS1 (tyrosyl-tRNA synthetase 1; minus strand), LOC132088696 (Neanderthal introgressed variant-containing enhancer experimental_6822; plus strand). Cytogenetic location: 1p35.1.
Variant type: single nucleotide variant.
Coding change: c.-662G>A on transcript NM_003680.3; 662 bases upstream of the start codon, G replaced by A.
Molecular consequence: intron variant (on NM_022753.4).
Genome position (GRCh38, 1-based): chr1:32,817,906, C>T on the plus strand (G>A on the coding strand, the complement: YARS1 is on the minus strand). VCF-style: chr1-32817906-C-T. GRCh37 (hg19) VCF-style: chr1-33283507-C-T.
Other names: c.-120+307C>T (NM_001256121.2); c.-120+217C>T (NM_022753.4).
Identifiers: ClinVar variation 297174 (VCV000297174.7), dbSNP rs112104823, ClinGen allele CA10610067.